The following is an entry in ClinVar:

ClinVar aggregate classification (germline): Uncertain significance (1 of 4 stars; one submission).

Allele frequency attached by ClinVar (database versions not stated): gnomAD exomes below 0.00001.
gnomAD v4.1: 1 of 1,614,082 alleles (0.000062%); highest among the groups gnomAD compares: Non-Finnish European, 0.000085%; no homozygotes.

Submission:

Labcorp Genetics (formerly Invitae), Labcorp
Classification: Uncertain significance. Last evaluated: 2022-01-25. Review status: criteria provided, single submitter. Criteria: Invitae Variant Classification Sherloc (09022015). Collection method: clinical testing. Allele origin: germline.
Comment: This sequence change replaces aspartic acid, which is acidic and polar, with asparagine, which is neutral and polar, at codon 78 of the SMARCB1 protein (p.Asp78Asn). RNA analysis indicates that this missense change induces altered splicing and likely results in the loss of 9 amino acid residue(s), but is expected to preserve the integrity of the reading-frame. This variant is not present in population databases (gnomAD no frequency). This variant has not been reported in the literature in individuals affected with SMARCB1-related conditions. Algorithms developed to predict the effect of missense changes on protein structure and function (SIFT, PolyPhen-2, Align-GVGD) all suggest that this variant is likely to be tolerated. This missense change is associated with partial in-frame deletion of exon 2, but the resulting mRNA isoform(s) may be naturally-occurring (Invitae). Studies have shown that this missense change results in the activation of a cryptic splice site in exon 2 (Invitae). In summary, the available evidence is currently insufficient to determine the role of this variant in disease. Therefore, it has been classified as a Variant of Uncertain Significance.

NM_003073.5(SMARCB1):c.232G>A (p.Asp78Asn)

Gene: SMARCB1 (SWI/SNF related BAF chromatin remodeling complex subunit B1; plus strand). Cytogenetic location: 22q11.23.
Variant type: single nucleotide variant.
Coding change: c.232G>A on transcript NM_003073.5 (MANE Select); coding-DNA position 232, G replaced by A.
Protein change: p.Asp78Asn; replaces aspartic acid 78 with asparagine.
Molecular consequence: missense variant. On other transcripts: intron variant (2).
Genome position (GRCh38, 1-based): chr22:23,791,894, G>A. VCF-style: chr22-23791894-G-A. GRCh37 (hg19) VCF-style: chr22-24134081-G-A.
Other names: c.232G>A, p.Asp78Asn (NM_001362877.2); c.205+27G>A (NM_001317946.2, NM_001007468.3); short protein forms D78N.
Identifiers: ClinVar variation 2089405 (VCV002089405.4), dbSNP rs2145960650, ClinGen allele CA410933275.